The following is an entry in ClinVar:

NM_001290043.2(TAP2):c.778A>G (p.Met260Val)

Gene: TAP2 (transporter 2, ATP binding cassette subfamily B member; minus strand). Cytogenetic location: 6p21.32.
Variant type: single nucleotide variant.
Coding change: c.778A>G on transcript NM_001290043.2 (MANE Select); coding-DNA position 778, A replaced by G.
Protein change: p.Met260Val; replaces methionine 260 with valine.
Molecular consequence: missense variant.
Genome position (GRCh38, 1-based): chr6:32,835,321, T>C on the plus strand (A>G on the coding strand, the complement: TAP2 is on the minus strand). VCF-style: chr6-32835321-T-C. GRCh37 (hg19) VCF-style: chr6-32803098-T-C.
Other names: c.778A>G, p.Met260Val (NM_000544.3, NM_018833.3); short protein forms M260V.
Identifiers: ClinVar variation 947733 (VCV000947733.7), dbSNP rs374491118, ClinGen allele CA3746056.

ClinVar aggregate classification (germline): Uncertain significance (1 of 4 stars; one submission).

Conditions:
MHC class I deficiency. Identifiers: Orphanet 34592, MedGen C6024714, MONDO:0011476.

Allele frequency attached by ClinVar (database versions not stated): ExAC 0.00001; TOPMed 0.00002; gnomAD exomes below 0.00001; ESP Exome Variant Server 0.00012; gnomAD 0.00001.
gnomAD v4.1: 1 of 1,612,910 alleles (0.000062%); highest among the groups gnomAD compares: Non-Finnish European, 0.000085%; no homozygotes.

Submission:

Labcorp Genetics (formerly Invitae), Labcorp
Classification: Uncertain significance for MHC class I deficiency 1. Last evaluated: 2021-08-26. Review status: criteria provided, single submitter. Criteria: Invitae Variant Classification Sherloc (09022015). Collection method: clinical testing. Allele origin: germline.
Comment: This sequence change replaces methionine with valine at codon 260 of the TAP2 protein (p.Met260Val). The methionine residue is highly conserved and there is a small physicochemical difference between methionine and valine. This variant is present in population databases (rs374491118, ExAC 0.002%). This variant has not been reported in the literature in individuals affected with TAP2-related conditions. Algorithms developed to predict the effect of missense changes on protein structure and function are either unavailable or do not agree on the potential impact of this missense change (SIFT: "Deleterious"; PolyPhen-2: "Not Available"; Align-GVGD: "Class C0"). Algorithms developed to predict the effect of sequence changes on RNA splicing suggest that this variant may create or strengthen a splice site. In summary, the available evidence is currently insufficient to determine the role of this variant in disease. Therefore, it has been classified as a Variant of Uncertain Significance.